The following is an entry in ClinVar:

ClinVar aggregate classification (germline): Uncertain significance (1 of 4 stars; one submission).

gnomAD v4.1: 16 of 1,614,162 alleles (0.00099%); highest among the groups gnomAD compares: Non-Finnish European, 0.0013%; no homozygotes.

Submission:

Women's Health and Genetics/Laboratory Corporation of America, LabCorp
Classification: Uncertain significance. Last evaluated: 2022-07-19. Review status: criteria provided, single submitter. Criteria: LabCorp Variant Classification Summary - May 2015. Collection method: clinical testing. Allele origin: germline.
Comment: Variant summary: KCND3 c.1559G>A (p.Cys520Tyr) results in a non-conservative amino acid change located in the C-terminal domain (IPR024587) of the encoded protein sequence. Three of five in-silico tools predict a benign effect of the variant on protein function. The variant allele was found at a frequency of 4e-06 in 251306 control chromosomes in the gnomAD database. The available data on variant occurrences in the general population are insufficient to allow any conclusion about variant significance. To our knowledge, no occurrence of c.1559G>A in individuals affected with Spinocerebellar Ataxia Type 19/22 and no experimental evidence demonstrating its impact on protein function have been reported. No clinical diagnostic laboratories have submitted clinical-significance assessments for this variant to ClinVar after 2014. Based on the evidence outlined above, the variant was classified as uncertain significance.

NM_001378969.1(KCND3):c.1559G>A (p.Cys520Tyr)

Gene: KCND3 (potassium voltage-gated channel subfamily D member 3; minus strand). Cytogenetic location: 1p13.2.
Variant type: single nucleotide variant.
Coding change: c.1559G>A on transcript NM_001378969.1 (MANE Select); coding-DNA position 1559, G replaced by A.
Protein change: p.Cys520Tyr; replaces cysteine 520 with tyrosine.
Molecular consequence: missense variant.
Genome position (GRCh38, 1-based): chr1:111,777,233, C>T on the plus strand (G>A on the coding strand, the complement: KCND3 is on the minus strand). VCF-style: chr1-111777233-C-T. GRCh37 (hg19) VCF-style: chr1-112319855-C-T.
Other names: c.1502G>A, p.Cys501Tyr (NM_001378970.1, NM_172198.3); c.1559G>A, p.Cys520Tyr (NM_004980.5); short protein forms C501Y, C520Y.
Identifiers: ClinVar variation 1704547 (VCV001704547.1), dbSNP rs1420807078, ClinGen allele CA341657327.